The following is an entry in ClinVar:

ClinVar aggregate classification (germline): Uncertain significance (1 of 4 stars; one submission).

Submission:

Labcorp Genetics (formerly Invitae), Labcorp
Classification: Uncertain significance. Last evaluated: 2022-05-31. Review status: criteria provided, single submitter. Criteria: Invitae Variant Classification Sherloc (09022015). Collection method: clinical testing. Allele origin: germline.
Comment: This variant has not been reported in the literature in individuals affected with TTPA-related conditions. This sequence change replaces alanine, which is neutral and non-polar, with threonine, which is neutral and polar, at codon 205 of the TTPA protein (p.Ala205Thr). This variant is not present in population databases (gnomAD no frequency). Algorithms developed to predict the effect of missense changes on protein structure and function output the following: SIFT: "Deleterious"; PolyPhen-2: "Benign"; Align-GVGD: "Class C55". The threonine amino acid residue is found in multiple mammalian species, which suggests that this missense change does not adversely affect protein function. In summary, the available evidence is currently insufficient to determine the role of this variant in disease. Therefore, it has been classified as a Variant of Uncertain Significance.

NM_000370.3(TTPA):c.613G>A (p.Ala205Thr)

Gene: TTPA (alpha tocopherol transfer protein; minus strand). Cytogenetic location: 8q12.3.
Variant type: single nucleotide variant.
Coding change: c.613G>A on transcript NM_000370.3 (MANE Select); coding-DNA position 613, G replaced by A.
Protein change: p.Ala205Thr; replaces alanine 205 with threonine.
Molecular consequence: missense variant.
Genome position (GRCh38, 1-based): chr8:63,064,256, C>T on the plus strand (G>A on the coding strand, the complement: TTPA is on the minus strand). VCF-style: chr8-63064256-C-T. GRCh37 (hg19) VCF-style: chr8-63976815-C-T.
Other names: c.265G>A, p.Ala89Thr (NM_001413414.1); c.613G>A, p.Ala205Thr (NM_001413416.1); c.730G>A, p.Ala244Thr (NM_001413418.1); short protein forms A244T, A205T, A89T.
Identifiers: ClinVar variation 2191633 (VCV002191633.4), dbSNP rs2487143231, ClinGen allele CA371332131.